The following is an entry in ClinVar:

ClinVar aggregate classification (germline): Pathogenic. Review status: criteria provided, multiple submitters, no conflicts (2 of 4 stars). 2 submissions from 2 submitters: Pathogenic (2). Last evaluated 2023-08-16.
ClinVar aggregate classification (oncogenicity): Likely oncogenic (1 of 4 stars; one submission).

Conditions:
Neurofibromatosis, type 1 (NF1). Also called: Peripheral type neurofibromatosis; VON RECKLINGHAUSEN DISEASE; NEUROFIBROMATOSIS, TYPE I, SOMATIC; Neurofibromatosis, type I. Identifiers: Orphanet 636, MedGen C0027831, MONDO:0018975, OMIM 162200. Disease mechanism: loss of function.
NF1-related disorder. Also called: NF1-related condition. Identifiers: MedGen CN379171.
Neoplasm. Also called: Neoplasms; Neoplasm (disease); tumor. Identifiers: MedGen C0027651, MeSH D009369, MONDO:0005070, HP:0002664.

Submissions (3):

Center for Genomic Medicine, Rigshospitalet, Copenhagen University Hospital
Classification: Likely oncogenic for Neoplasm. Last evaluated: 2025-03-04. Review status: criteria provided, single submitter. Criteria: ClinGen/CGC/VICC Guidelines for Oncogenicity, 2022. Collection method: clinical testing. Allele origin: somatic. Affected: yes.

Blueprint Genetics
Classification: Pathogenic for NF1-related disorders. Last evaluated: 2023-08-16. Review status: criteria provided, single submitter. Criteria: ACMG Guidelines, 2015. Collection method: clinical testing. Allele origin: germline. Affected: yes. Observed: 1 variant allele.

Labcorp Genetics (formerly Invitae), Labcorp
Classification: Pathogenic for Neurofibromatosis, type 1. Last evaluated: 2023-05-11. Review status: criteria provided, single submitter. Criteria: Invitae Variant Classification Sherloc (09022015). Collection method: clinical testing. Allele origin: germline.
Comment: This sequence change creates a premature translational stop signal (p.Gln2242*) in the NF1 gene. It is expected to result in an absent or disrupted protein product. Loss-of-function variants in NF1 are known to be pathogenic (PMID: 10712197, 23913538). This variant is not present in population databases (gnomAD no frequency). For these reasons, this variant has been classified as Pathogenic. Algorithms developed to predict the effect of sequence changes on RNA splicing suggest that this variant may disrupt the consensus splice site. This premature translational stop signal has been observed in individual(s) with clinical features consistent with neurofibromatosis type 1 (PMID: 12807981, 18546366).

Literature cited by the submitters: PubMed 19935827 (cited by Center for Genomic Medicine, Rigshospitalet, Copenhagen University Hospital); PubMed 12807981 (cited by Center for Genomic Medicine, Rigshospitalet, Copenhagen University Hospital and Labcorp Genetics (formerly Invitae), Labcorp); PubMed 10712197 (cited by Labcorp Genetics (formerly Invitae), Labcorp); PubMed 23913538 (cited by Labcorp Genetics (formerly Invitae), Labcorp); PubMed 18546366 (cited by Labcorp Genetics (formerly Invitae), Labcorp).

NM_001042492.3(NF1):c.6787C>T (p.Gln2263Ter)

Gene: NF1 (neurofibromin 1; plus strand). Cytogenetic location: 17q11.2.
Variant type: single nucleotide variant.
Coding change: c.6787C>T on transcript NM_001042492.3 (MANE Select); coding-DNA position 6787, C replaced by T.
Protein change: p.Gln2263Ter; replaces glutamine 2263 with a stop codon.
Molecular consequence: nonsense.
Genome position (GRCh38, 1-based): chr17:31,338,107, C>T. VCF-style: chr17-31338107-C-T. GRCh37 (hg19) VCF-style: chr17-29665125-C-T.
Other names: c.6724C>T, p.Gln2242Ter (NM_000267.4); short protein forms Q2263*, Q2242*.
Identifiers: ClinVar variation 2736573 (VCV002736573.6), dbSNP rs2069727121, ClinGen allele CA399014154.